The following is an entry in ClinVar:

NM_001271803.2(REEP2):c.251C>G (p.Ser84Cys)

Gene: REEP2 (receptor accessory protein 2; plus strand). Cytogenetic location: 5q31.2.
Variant type: single nucleotide variant.
Coding change: c.251C>G on transcript NM_001271803.2 (MANE Select); coding-DNA position 251, C replaced by G.
Protein change: p.Ser84Cys; replaces serine 84 with cysteine.
Molecular consequence: missense variant. On other transcripts: non-coding transcript variant (2).
Genome position (GRCh38, 1-based): chr5:138,444,483, C>G. VCF-style: chr5-138444483-C-G. GRCh37 (hg19) VCF-style: chr5-137780172-C-G.
Other names: p.Ser84Cys; c.251C>G, p.Ser84Cys (NM_016606.4); short protein forms S84C.
Identifiers: ClinVar variation 4541065 (VCV004541065.1).

ClinVar aggregate classification (germline): Uncertain significance (1 of 4 stars; one submission).

Submission:

Mayo Clinic Laboratories, Mayo Clinic
Classification: Uncertain significance. Last evaluated: 2025-11-01. Review status: criteria provided, single submitter. Criteria: ACMG Guidelines, 2015. Collection method: clinical testing. Allele origin: germline. Observed: 1 variant allele.
Comment: PP3_strong, PM2_supporting